The following is an entry in ClinVar:

NM_201269.3(ZNF644):c.213G>A (p.Thr71=)

Gene: ZNF644 (zinc finger protein 644; minus strand). Cytogenetic location: 1p22.2.
Variant type: single nucleotide variant.
Coding change: c.213G>A on transcript NM_201269.3 (MANE Select); coding-DNA position 213, G replaced by A.
Protein change: p.Thr71=; no amino-acid change (threonine 71 retained).
Molecular consequence: synonymous variant. On other transcripts: intron variant (2).
Genome position (GRCh38, 1-based): chr1:90,941,141, C>T on the plus strand (G>A on the coding strand, the complement: ZNF644 is on the minus strand). VCF-style: chr1-90941141-C-T. GRCh37 (hg19) VCF-style: chr1-91406698-C-T.
Other names: c.213G>A, p.Thr71= (NM_001437610.1, NM_001437611.1, NM_001437612.1 and 1 more transcripts); c.23-22987G>A (NM_032186.5, NM_016620.4).
Identifiers: ClinVar variation 4989067 (VCV004989067.1).

ClinVar aggregate classification (germline): Likely benign (1 of 4 stars; one submission).

Conditions:
ZNF644-related disorder. Also called: ZNF644-related condition.

gnomAD v4.1: 3 of 1,613,380 alleles (0.00019%); highest among the groups gnomAD compares: Admixed American, 0.0017%; no homozygotes.

Submission:

PreventionGenetics, part of Exact Sciences
Classification: Likely benign for ZNF644-related condition. Last evaluated: 2025-08-04. Review status: criteria provided, single submitter. Criteria: ACMG Guidelines, 2015. Collection method: clinical testing. Allele origin: germline.
Comment: This variant is classified as likely benign based on ACMG/AMP sequence variant interpretation guidelines (Richards et al. 2015 PMID: 25741868, with internal and published modifications).